The following is an entry in ClinVar:

NM_001848.3(COL6A1):c.2731_2733del (p.Asn911del)

Gene: COL6A1 (collagen type VI alpha 1 chain; plus strand). Cytogenetic location: 21q22.3.
Variant type: Deletion.
Coding change: c.2731_2733del on transcript NM_001848.3 (MANE Select); coding-DNA positions 2731 to 2733, 3 bases deleted (AAC; older notation c.2731_2733delAAC).
Protein change: p.Asn911del; deletes asparagine 911.
Molecular consequence: inframe deletion.
Genome position (GRCh38, 1-based): chr21:46,003,657-46,003,659, AAC deleted; deleting any 3 consecutive bases within chr21:46,003,656-46,003,659 gives the same sequence; the c. name uses the placement nearest the transcript's 3' end. VCF-style (leftmost placement, unchanged base first): chr21-46003655-TCAA-T. GRCh37 (hg19) VCF-style: chr21-47423569-TCAA-T.
Other names: short protein forms N911del.
Identifiers: ClinVar variation 1477258 (VCV001477258.11), dbSNP rs2123492948, ClinGen allele CA2573157614.

ClinVar aggregate classification (germline): Uncertain significance (1 of 4 stars; one submission).

Conditions:
Bethlem myopathy 1A. Also called: Bethlem myopathy 1; Bethlem Muscular Dystrophy; MYOPATHY, BENIGN CONGENITAL, WITH CONTRACTURES. Identifiers: Orphanet 610, MedGen CN029274, MONDO:0024530, OMIM 158810.

Submission:

Labcorp Genetics (formerly Invitae), Labcorp
Classification: Uncertain significance for Bethlem myopathy 1A. Last evaluated: 2022-03-18. Review status: criteria provided, single submitter. Criteria: Invitae Variant Classification Sherloc (09022015). Collection method: clinical testing. Allele origin: germline.
Comment: This variant, c.2731_2733del, results in the deletion of 1 amino acid(s) of the COL6A1 protein (p.Asn911del), but otherwise preserves the integrity of the reading frame. This variant is not present in population databases (gnomAD no frequency). In summary, the available evidence is currently insufficient to determine the role of this variant in disease. Therefore, it has been classified as a Variant of Uncertain Significance. Experimental studies and prediction algorithms are not available or were not evaluated, and the functional significance of this variant is currently unknown. This variant has not been reported in the literature in individuals affected with COL6A1-related conditions.